The following is an entry in ClinVar:

NM_198282.4(STING1):c.991C>T (p.Arg331Trp)

Gene: STING1 (stimulator of interferon response cGAMP interactor 1; minus strand). Cytogenetic location: 5q31.2.
Variant type: single nucleotide variant.
Coding change: c.991C>T on transcript NM_198282.4 (MANE Select); coding-DNA position 991, C replaced by T.
Protein change: p.Arg331Trp; replaces arginine 331 with tryptophan.
Molecular consequence: missense variant. On other transcripts: synonymous variant (1).
Genome position (GRCh38, 1-based): chr5:139,476,410, G>A on the plus strand (C>T on the coding strand, the complement: STING1 is on the minus strand). VCF-style: chr5-139476410-G-A. GRCh37 (hg19) VCF-style: chr5-138855995-G-A.
Other names: c.804C>T, p.Ser268= (NM_001301738.2); c.634C>T, p.Arg212Trp (NM_001367258.1); short protein forms R331W, R212W.
Identifiers: ClinVar variation 2977127 (VCV002977127.3), dbSNP rs777366618, ClinGen allele CA3435255.

ClinVar aggregate classification (germline): Uncertain significance (1 of 4 stars; one submission).

Conditions:
STING-associated vasculopathy with onset in infancy. Also called: Sting-associated vasculopathy, infantile-onset. Identifiers: Orphanet 425120, MedGen C4014722, MONDO:0014405, OMIM 615934.

Allele frequency attached by ClinVar (database versions not stated): TOPMed below 0.00001; gnomAD exomes 0.00001; ExAC 0.00002.
gnomAD v4.1: 16 of 1,612,468 alleles (0.00099%); highest among the groups gnomAD compares: South Asian, 0.0066%; no homozygotes.

Submission:

Labcorp Genetics (formerly Invitae), Labcorp
Classification: Uncertain significance for STING-associated vasculopathy with onset in infancy. Last evaluated: 2025-10-07. Review status: criteria provided, single submitter. Criteria: Invitae Variant Classification Sherloc (09022015). Collection method: clinical testing. Allele origin: germline.
Comment: This sequence change replaces arginine, which is basic and polar, with tryptophan, which is neutral and slightly polar, at codon 331 of the TMEM173 protein (p.Arg331Trp). This variant is present in population databases (rs777366618, gnomAD 0.01%). This variant has not been reported in the literature in individuals affected with TMEM173-related conditions. ClinVar contains an entry for this variant (Variation ID: 2977127). Invitae Evidence Modeling of protein sequence and biophysical properties (such as structural, functional, and spatial information, amino acid conservation, physicochemical variation, residue mobility, and thermodynamic stability) indicates that this missense variant is not expected to disrupt TMEM173 protein function with a negative predictive value of 80%. In summary, the available evidence is currently insufficient to determine the role of this variant in disease. Therefore, it has been classified as a Variant of Uncertain Significance.